The following is an entry in ClinVar:

NM_015107.3(PHF8):c.1364T>C (p.Phe455Ser)

Gene: PHF8 (PHD finger protein 8; minus strand). Cytogenetic location: Xp11.22.
Variant type: single nucleotide variant.
Coding change: c.1364T>C on transcript NM_015107.3 (MANE Select); coding-DNA position 1364, T replaced by C.
Protein change: p.Phe455Ser; replaces phenylalanine 455 with serine.
Molecular consequence: missense variant. On other transcripts: intron variant (1).
Genome position (GRCh38, 1-based): chrX:53,993,863, A>G on the plus strand (T>C on the coding strand, the complement: PHF8 is on the minus strand). VCF-style: chrX-53993863-A-G. GRCh37 (hg19) VCF-style: chrX-54020296-A-G.
Other names: c.1472T>C, p.Phe491Ser (NM_001184896.1); c.1364T>C, p.Phe455Ser (NM_001184898.2); c.1324-1024T>C (NM_001184897.2); short protein forms F455S, F491S.
Identifiers: ClinVar variation 840299 (VCV000840299.10), dbSNP rs782471251, ClinGen allele CA10423485.

ClinVar aggregate classification (germline): Uncertain significance. Review status: criteria provided, multiple submitters, no conflicts (2 of 4 stars). 2 submissions from 2 submitters: Uncertain significance (2). Last evaluated 2024-03-29.

Conditions:
Inborn genetic diseases. Identifiers: MedGen C0950123, MeSH D030342.

Allele frequency attached by ClinVar (database versions not stated): gnomAD exomes below 0.00001 and 0.00001; ExAC 0.00001; TOPMed 0.00001.
gnomAD v4.1: 3 of 1,209,008 alleles (0.00025%); highest among the groups gnomAD compares: East Asian, 0.003%; no homozygotes.

Submissions (2):

Ambry Genetics
Classification: Uncertain significance for Inborn genetic diseases. Last evaluated: 2024-03-29. Review status: criteria provided, single submitter. Criteria: Ambry Variant Classification Scheme 2023. Collection method: clinical testing. Allele origin: germline.

Labcorp Genetics (formerly Invitae), Labcorp
Classification: Uncertain significance. Last evaluated: 2019-08-13. Review status: criteria provided, single submitter. Criteria: Invitae Variant Classification Sherloc (09022015). Collection method: clinical testing. Allele origin: germline.
Comment: Algorithms developed to predict the effect of missense changes on protein structure and function are either unavailable or do not agree on the potential impact of this missense change (SIFT: "Tolerated"; PolyPhen-2: "Possibly Damaging"; Align-GVGD: "Class C15"). This variant has not been reported in the literature in individuals with PHF8-related conditions. This variant is present in population databases (rs782471251, ExAC 0.01%). In summary, the available evidence is currently insufficient to determine the role of this variant in disease. Therefore, it has been classified as a Variant of Uncertain Significance. This sequence change replaces phenylalanine with serine at codon 455 of the PHF8 protein (p.Phe455Ser). The phenylalanine residue is highly conserved and there is a large physicochemical difference between phenylalanine and serine.